The following is an entry in ClinVar:

ClinVar aggregate classification (germline): Uncertain significance. Review status: criteria provided, multiple submitters, no conflicts (2 of 4 stars). 5 submissions from 5 submitters: Uncertain significance (5). Last evaluated 2025-04-11.

Conditions:
Hereditary nonpolyposis colorectal neoplasms. Identifiers: MedGen C0009405, MeSH D003123.
Hereditary cancer-predisposing syndrome. Also called: Hereditary Cancer Syndrome; Hereditary neoplastic syndrome; Neoplastic Syndromes, Hereditary; Tumor predisposition. Identifiers: Orphanet 140162, MedGen C0027672, MeSH D009386, MONDO:0015356.

Submissions (5):

Ambry Genetics
Classification: Uncertain significance for Hereditary cancer-predisposing syndrome. Last evaluated: 2025-04-11. Review status: criteria provided, single submitter. Criteria: Ambry Variant Classification Scheme 2023. Collection method: clinical testing. Allele origin: germline.
Comment: The p.K866R variant (also known as c.2597A>G), located in coding exon 4 of the MSH6 gene, results from an A to G substitution at nucleotide position 2597. The lysine at codon 866 is replaced by arginine, an amino acid with highly similar properties. This amino acid position is highly conserved in available vertebrate species. In addition, the in silico prediction for this alteration is inconclusive. Based on the available evidence, the clinical significance of this variant remains unclear.

GeneDx
Classification: Uncertain significance. Last evaluated: 2024-06-05. Review status: criteria provided, single submitter. Criteria: GeneDx Variant Classification Process June 2021. Collection method: clinical testing. Allele origin: germline. Affected: yes.
Comment: Not observed at significant frequency in large population cohorts (gnomAD); In silico analysis indicates that this missense variant does not alter protein structure/function; Identified in an individual referred for hereditary breast and ovarian cancer testing (PMID: 34359559); This variant is associated with the following publications: (PMID: 17531815, 21120944, 34359559)

Labcorp Genetics (formerly Invitae), Labcorp
Classification: Uncertain significance for Hereditary nonpolyposis colorectal neoplasms. Last evaluated: 2024-03-19. Review status: criteria provided, single submitter. Criteria: Invitae Variant Classification Sherloc (09022015). Collection method: clinical testing. Allele origin: germline.
Comment: This sequence change replaces lysine, which is basic and polar, with arginine, which is basic and polar, at codon 866 of the MSH6 protein (p.Lys866Arg). This variant is not present in population databases (gnomAD no frequency). This variant has not been reported in the literature in individuals affected with MSH6-related conditions. ClinVar contains an entry for this variant (Variation ID: 455209). Advanced modeling of protein sequence and biophysical properties (such as structural, functional, and spatial information, amino acid conservation, physicochemical variation, residue mobility, and thermodynamic stability) performed at Invitae indicates that this missense variant is not expected to disrupt MSH6 protein function with a negative predictive value of 95%. In summary, the available evidence is currently insufficient to determine the role of this variant in disease. Therefore, it has been classified as a Variant of Uncertain Significance.

Quest Diagnostics Nichols Institute San Juan Capistrano
Classification: Uncertain significance. Last evaluated: 2023-01-30. Review status: criteria provided, single submitter. Criteria: Quest Diagnostics criteria. Collection method: clinical testing. Allele origin: unknown.
Comment: The variant has not been reported in individuals with MSH6-related conditions in the published literature. It also has not been reported in large, multi-ethnic general populations. Analysis of this variant using bioinformatics tools for the prediction of the effect of amino acid changes on protein structure and function yielded predictions that this variant is benign. Based on the available information, we are unable to determine the clinical significance of this variant.

Color Diagnostics, LLC DBA Color Health
Classification: Uncertain significance for Hereditary cancer-predisposing syndrome. Last evaluated: 2022-10-18. Review status: criteria provided, single submitter. Criteria: ACMG Guidelines, 2015. Collection method: clinical testing. Allele origin: germline.
Comment: This missense variant replaces lysine with arginine at codon 866 of the MSH6 protein. Computational prediction is inconclusive regarding the impact of this variant on protein structure and function (internally defined REVEL score threshold 0.5 < inconclusive < 0.7, PMID: 27666373). To our knowledge, functional studies have not been reported for this variant. This variant has not been reported in individuals affected with hereditary cancer in the literature. This variant has not been identified in the general population by the Genome Aggregation Database (gnomAD). The available evidence is insufficient to determine the role of this variant in disease conclusively. Therefore, this variant is classified as a Variant of Uncertain Significance.

Literature cited by the submitters: PubMed 34359559 (cited by Quest Diagnostics Nichols Institute San Juan Capistrano).

NM_000179.3(MSH6):c.2597A>G (p.Lys866Arg)

Gene: MSH6 (mutS homolog 6; plus strand). Cytogenetic location: 2p16.3.
Variant type: single nucleotide variant.
Coding change: c.2597A>G on transcript NM_000179.3 (MANE Select); coding-DNA position 2597, A replaced by G.
Protein change: p.Lys866Arg; replaces lysine 866 with arginine.
Molecular consequence: missense variant.
Genome position (GRCh38, 1-based): chr2:47,800,580, A>G. VCF-style: chr2-47800580-A-G. GRCh37 (hg19) VCF-style: chr2-48027719-A-G.
Other names: c.2207A>G, p.Lys736Arg (NM_001281492.2); c.1691A>G, p.Lys564Arg (NM_001281493.2, NM_001281494.2); short protein forms K866R, K564R, K736R.
Identifiers: ClinVar variation 455209 (VCV000455209.20), dbSNP rs190075874, ClinGen allele CA346754902.